The following is an entry in ClinVar:

NM_001042492.3(NF1):c.7179_7182del (p.His2393_Leu2394insTer)

Gene: NF1 (neurofibromin 1; plus strand). Cytogenetic location: 17q11.2.
Variant type: Deletion.
Coding change: c.7179_7182del on transcript NM_001042492.3 (MANE Select); coding-DNA positions 7179 to 7182, 4 bases deleted (CCTT; older notation c.7179_7182delCCTT).
Protein change: p.His2393_Leu2394insTer.
Molecular consequence: frameshift variant.
Genome position (GRCh38, 1-based): chr17:31,343,125-31,343,128, CCTT deleted. VCF-style (leftmost placement, unchanged base first): chr17-31343124-ACCTT-A. GRCh37 (hg19) VCF-style: chr17-29670142-ACCTT-A.
Other names: c.7116_7119del, p.His2372_Leu2373insTer (NM_000267.4).
Identifiers: ClinVar variation 4713339 (VCV004713339.1).

ClinVar aggregate classification (germline): Pathogenic (1 of 4 stars; one submission).

Conditions:
Neurofibromatosis, type 1 (NF1). Also called: VON RECKLINGHAUSEN DISEASE; Peripheral type neurofibromatosis; NEUROFIBROMATOSIS, TYPE I, SOMATIC; Neurofibromatosis, type I. Identifiers: Orphanet 636, MedGen C0027831, MONDO:0018975, OMIM 162200. Disease mechanism: loss of function.

Submission:

Labcorp Genetics (formerly Invitae), Labcorp
Classification: Pathogenic for Neurofibromatosis, type 1. Last evaluated: 2025-04-01. Review status: criteria provided, single submitter. Criteria: Invitae Variant Classification Sherloc (09022015). Collection method: clinical testing. Allele origin: germline.
Comment: This sequence change creates a premature translational stop signal (p.Leu2373*) in the NF1 gene. It is expected to result in an absent or disrupted protein product. Loss-of-function variants in NF1 are known to be pathogenic (PMID: 10712197, 23913538). This variant is not present in population databases (gnomAD no frequency). This variant has not been reported in the literature in individuals affected with NF1-related conditions. For these reasons, this variant has been classified as Pathogenic.

Literature cited by the submitters: PubMed 10712197; PubMed 23913538.